The following is an entry in ClinVar:

ClinVar aggregate classification (germline): Uncertain significance. Review status: criteria provided, multiple submitters, no conflicts (2 of 4 stars). 2 submissions from 2 submitters: Uncertain significance (2). Last evaluated 2022-09-16.

Allele frequency attached by ClinVar (database versions not stated): gnomAD 0.00003; gnomAD exomes 0.00004 and 0.00022; TOPMed 0.00006; ExAC 0.00018.
gnomAD v4.1: 64 of 1,614,110 alleles (0.004%); highest among the groups gnomAD compares: Admixed American, 0.1%; no homozygotes.

Submissions (2):

Labcorp Genetics (formerly Invitae), Labcorp
Classification: Uncertain significance. Last evaluated: 2022-09-16. Review status: criteria provided, single submitter. Criteria: Invitae Variant Classification Sherloc (09022015). Collection method: clinical testing. Allele origin: germline.
Comment: This sequence change replaces aspartic acid, which is acidic and polar, with asparagine, which is neutral and polar, at codon 374 of the EXTL3 protein (p.Asp374Asn). This variant is present in population databases (rs201263762, gnomAD 0.2%). This variant has not been reported in the literature in individuals affected with EXTL3-related conditions. ClinVar contains an entry for this variant (Variation ID: 1432364). Advanced modeling of protein sequence and biophysical properties (such as structural, functional, and spatial information, amino acid conservation, physicochemical variation, residue mobility, and thermodynamic stability) performed at Invitae indicates that this missense variant is not expected to disrupt EXTL3 protein function. In summary, the available evidence is currently insufficient to determine the role of this variant in disease. Therefore, it has been classified as a Variant of Uncertain Significance.

Blueprint Genetics
Classification: Uncertain significance. Last evaluated: 2022-06-15. Review status: criteria provided, single submitter. Criteria: ACMG Guidelines, 2015. Collection method: clinical testing. Allele origin: germline.

NM_001440.4(EXTL3):c.1120G>A (p.Asp374Asn)

Gene: EXTL3 (exostosin like glycosyltransferase 3; plus strand). Cytogenetic location: 8p21.1.
Variant type: single nucleotide variant.
Coding change: c.1120G>A on transcript NM_001440.4 (MANE Select); coding-DNA position 1120, G replaced by A.
Protein change: p.Asp374Asn; replaces aspartic acid 374 with asparagine.
Molecular consequence: missense variant.
Genome position (GRCh38, 1-based): chr8:28,717,179, G>A. VCF-style: chr8-28717179-G-A. GRCh37 (hg19) VCF-style: chr8-28574696-G-A.
Other names: short protein forms D374N.
Identifiers: ClinVar variation 1432364 (VCV001432364.4), dbSNP rs201263762, ClinGen allele CA4696149.